The following is an entry in ClinVar:

NM_018238.4(AGK):c.222-3C>G

Gene: AGK (acylglycerol kinase; plus strand). Cytogenetic location: 7q34.
Variant type: single nucleotide variant.
Coding change: c.222-3C>G on transcript NM_018238.4 (MANE Select); 3 bases into the intron before coding-DNA position 222, C replaced by G.
Molecular consequence: intron variant.
Genome position (GRCh38, 1-based): chr7:141,601,202, C>G. VCF-style: chr7-141601202-C-G. GRCh37 (hg19) VCF-style: chr7-141301002-C-G.
Other names: c.222-3C>G (NM_001364948.3).
Identifiers: ClinVar variation 2101669 (VCV002101669.4), dbSNP rs1410173365, ClinGen allele CA2580077610.
Genomic context (GRCh38, chr7:141,601,202, plus strand): 5'-GCTTTTTGTTCTTGCTCTTGATAACCTGTGTTAAAATGTTTATATTTTTTCCTTTGTTAA[C>G]AGAAAAGCCAGGACTCTATTTGAAAAAAATGCTGCCCCGATTTTACATTTATCTGGCATG-3'

ClinVar aggregate classification (germline): Uncertain significance (1 of 4 stars; one submission).

Conditions:
Cataract 38. Also called: Cataract, autosomal recessive congenital 5; Cataract 38, autosomal recessive. Identifiers: Orphanet 91492, MedGen C3553494, MONDO:0013859, OMIM 614691.
Sengers syndrome. Also called: MITOCHONDRIAL DNA DEPLETION SYNDROME 10 (CARDIOMYOPATHIC TYPE); Cardiomyopathy and cataract. Identifiers: Orphanet 1369, MedGen C1859317, MONDO:0008922, OMIM 212350.

Allele frequency attached by ClinVar (database versions not stated): gnomAD exomes below 0.00001.
gnomAD v4.1: 2 of 1,606,696 alleles (0.00012%); highest among the groups gnomAD compares: Non-Finnish European, 0.00017%; no homozygotes.

Submissions (2):

Labcorp Genetics (formerly Invitae), Labcorp
Classification: Uncertain significance for Sengers syndrome; Cataract 38. Last evaluated: 2022-04-17. Review status: criteria provided, single submitter. Criteria: Invitae Variant Classification Sherloc (09022015). Collection method: clinical testing. Allele origin: germline.
Comment: In summary, the available evidence is currently insufficient to determine the role of this variant in disease. Therefore, it has been classified as a Variant of Uncertain Significance. Variants that disrupt the consensus splice site are a relatively common cause of aberrant splicing (PMID: 17576681, 9536098). Algorithms developed to predict the effect of sequence changes on RNA splicing suggest that this variant may disrupt the consensus splice site. This variant has not been reported in the literature in individuals affected with AGK-related conditions. This variant is not present in population databases (gnomAD no frequency). This sequence change falls in intron 4 of the AGK gene. It does not directly change the encoded amino acid sequence of the AGK protein. It affects a nucleotide within the consensus splice site.

Dr. Peter K. Rogan Lab, Western University
No classification provided (evidence only). Condition: Gastric cancer. Review status: no classification provided. Collection method: in vitro. Allele origin: not applicable. Functional consequence: retained intron. Not counted in ClinVar's aggregate classification.

Literature cited by the submitters: PubMed 17576681 (cited by Labcorp Genetics (formerly Invitae), Labcorp); PubMed 9536098 (cited by Labcorp Genetics (formerly Invitae), Labcorp).